The following is an entry in ClinVar:

ClinVar aggregate classification (germline): Uncertain significance (1 of 4 stars; one submission).

Conditions:
Hereditary sensory and autonomic neuropathy type 6. Also called: Neuropathy, hereditary sensory and autonomic, type VI; HSAN VI. Identifiers: Orphanet 314381, MedGen C3539003, MONDO:0013839, OMIM 614653.
Epidermolysis bullosa simplex 3, localized or generalized intermediate, with BP230 deficiency (EBS3). Also called: Epidermolysis bullosa simplex, autosomal recessive 2; Epidermolysis bullosa simplex due to BP230 deficiency. Identifiers: Orphanet 412181, MedGen C3809470, MONDO:0014180, OMIM 615425.

Allele frequency attached by ClinVar (database versions not stated): gnomAD exomes 0.00001.
gnomAD v4.1: 3 of 1,610,882 alleles (0.00019%); highest among the groups gnomAD compares: Non-Finnish European, 0.000085%; no homozygotes.

Submission:

Labcorp Genetics (formerly Invitae), Labcorp
Classification: Uncertain significance for Epidermolysis bullosa simplex 3, localized or generalized intermediate, with BP230 deficiency; Hereditary sensory and autonomic neuropathy type 6. Last evaluated: 2020-04-11. Review status: criteria provided, single submitter. Criteria: Invitae Variant Classification Sherloc (09022015). Collection method: clinical testing. Allele origin: germline.
Comment: This sequence change replaces arginine with glutamine at codon 4911 of the DST protein (p.Arg4911Gln). The arginine residue is highly conserved and there is a small physicochemical difference between arginine and glutamine. The DST gene has multiple clinically relevant transcripts. The p.Arg4911Gln variant occurs in alternate transcript NM_015548.4, which corresponds to c.*149353G>A in NM_001723., the primary transcript listed in the Methods. This variant is not present in population databases (ExAC no frequency). This variant has not been reported in the literature in individuals with DST-related conditions. Algorithms developed to predict the effect of missense changes on protein structure and function are either unavailable or do not agree on the potential impact of this missense change (SIFT: "Deleterious"; PolyPhen-2: "Probably Damaging"; Align-GVGD: "Class C0"). Algorithms developed to predict the effect of sequence changes on RNA splicing suggest that this variant may create or strengthen a splice site, but this prediction has not been confirmed by published transcriptional studies. In summary, the available evidence is currently insufficient to determine the role of this variant in disease. Therefore, it has been classified as a Variant of Uncertain Significance.

NM_001374736.1(DST):c.22601G>A (p.Arg7534Gln)

Gene: DST (dystonin; minus strand). Cytogenetic location: 6p12.1.
Variant type: single nucleotide variant.
Coding change: c.22601G>A on transcript NM_001374736.1 (MANE Select); coding-DNA position 22601, G replaced by A.
Protein change: p.Arg7534Gln; replaces arginine 7534 with glutamine.
Molecular consequence: missense variant.
Genome position (GRCh38, 1-based): chr6:56,466,164, C>T on the plus strand (G>A on the coding strand, the complement: DST is on the minus strand). VCF-style: chr6-56466164-C-T. GRCh37 (hg19) VCF-style: chr6-56330962-C-T.
Other names: c.16244G>A, p.Arg5415Gln (NM_001144769.5); c.15830G>A, p.Arg5277Gln (NM_001144770.2); c.22601G>A, p.Arg7534Gln (NM_001374722.1); c.21641G>A, p.Arg7214Gln (NM_001374729.1); c.15383G>A, p.Arg5128Gln (NM_001374730.1); c.22628G>A, p.Arg7543Gln (NM_001374734.1); c.14732G>A, p.Arg4911Gln (NM_015548.5); c.15710G>A, p.Arg5237Gln (NM_183380.4); short protein forms R5237Q, R5277Q, R7214Q, R7534Q, R5128Q, R5415Q, R7543Q, R4911Q.
Identifiers: ClinVar variation 968217 (VCV000968217.8), dbSNP rs1255175152, ClinGen allele CA364505552.
Genomic context (GRCh38, chr6:56,466,164, plus strand): 5'-AACTCATCAAGTGCCATCCATCCACCTCCAACACGAACCATCACAGTACTCCGCAGGATC[C>T]GGACCAGTCGCAGTTGCTGGGAGTCTCCAAACTGTTCAGTGAAGAAAGAAAGAACCTCTA-3'
Protein context (NP_001361665.1, residues 7524-7544): FGDSQQLRLV[Arg7534Gln]ILRSTVMVRV